The following is an entry in ClinVar:

ClinVar aggregate classification (germline): Uncertain significance (1 of 4 stars; one submission).

Conditions:
Hyperinsulinism-hyperammonemia syndrome (HHF6). Identifiers: Orphanet 35878, MedGen C1847555, MONDO:0011717, OMIM 606762.

Submission:

Labcorp Genetics (formerly Invitae), Labcorp
Classification: Uncertain significance for Hyperinsulinism-hyperammonemia syndrome. Last evaluated: 2025-09-29. Review status: criteria provided, single submitter. Criteria: Invitae Variant Classification Sherloc (09022015). Collection method: clinical testing. Allele origin: germline.
Comment: This sequence change falls in intron 3 of the GLUD1 gene. It does not directly change the encoded amino acid sequence of the GLUD1 protein. It affects a nucleotide within the consensus splice site. This variant is not present in population databases (gnomAD no frequency). This variant has not been reported in the literature in individuals affected with GLUD1-related conditions. Variants that disrupt the consensus splice site are a relatively common cause of aberrant splicing (PMID: 17576681, 9536098). Algorithms developed to predict the effect of sequence changes on RNA splicing suggest that this variant is not likely to affect RNA splicing. In summary, the available evidence is currently insufficient to determine the role of this variant in disease. Therefore, it has been classified as a Variant of Uncertain Significance.

Literature cited by the submitters: PubMed 17576681; PubMed 9536098.

NM_005271.5(GLUD1):c.583-3C>A

Gene: GLUD1 (glutamate dehydrogenase 1; minus strand). Cytogenetic location: 10q23.2.
Variant type: single nucleotide variant.
Coding change: c.583-3C>A on transcript NM_005271.5 (MANE Select); 3 bases into the intron before coding-DNA position 583, C replaced by A.
Molecular consequence: intron variant.
Genome position (GRCh38, 1-based): chr10:87,074,617, G>T on the plus strand (C>A on the coding strand, the complement: GLUD1 is on the minus strand). VCF-style: chr10-87074617-G-T. GRCh37 (hg19) VCF-style: chr10-88834374-G-T.
Other names: c.82-3C>A (NM_001318906.2, NM_001318904.2, NM_001318905.2 and 2 more transcripts); c.184-3C>A (NM_001318900.1).
Identifiers: ClinVar variation 4773539 (VCV004773539.1).